The following is an entry in ClinVar:

NM_001244008.2(KIF1A):c.3152G>C (p.Gly1051Ala)

Gene: KIF1A (kinesin family member 1A; minus strand). Cytogenetic location: 2q37.3.
Variant type: single nucleotide variant.
Coding change: c.3152G>C on transcript NM_001244008.2 (MANE Select); coding-DNA position 3152, G replaced by C.
Protein change: p.Gly1051Ala; replaces glycine 1051 with alanine.
Molecular consequence: missense variant.
Genome position (GRCh38, 1-based): chr2:240,746,089, C>G on the plus strand (G>C on the coding strand, the complement: KIF1A is on the minus strand). VCF-style: chr2-240746089-C-G. GRCh37 (hg19) VCF-style: chr2-241685506-C-G.
Other names: c.2876G>C, p.Gly959Ala (NM_001320705.2, NM_001330289.2, NM_001379638.1); c.2951G>C, p.Gly984Ala (NM_001330290.2, NM_001379634.1, NM_001379635.1 and 1 more transcripts); c.3227G>C, p.Gly1076Ala (NM_001379631.1); c.3101G>C, p.Gly1034Ala (NM_001379632.1); c.3125G>C, p.Gly1042Ala (NM_001379633.1, NM_001379642.1, NM_001379645.1); c.2849G>C, p.Gly950Ala (NM_001379636.1, NM_001379639.1, NM_001379640.1 and 7 more transcripts); c.2924G>C, p.Gly975Ala (NM_001379637.1, NM_001379648.1); short protein forms G1076A, G1042A, G950A, G959A, G975A, G1034A, G1051A, G984A.
Identifiers: ClinVar variation 2942580 (VCV002942580.3), dbSNP rs773344723, ClinGen allele CA351318850.

ClinVar aggregate classification (germline): Uncertain significance (1 of 4 stars; one submission).

Conditions:
Neuropathy, hereditary sensory, type 2C. Also called: KIF1A-Related HSAN2 (HSAN2C); Hereditary sensory and autonomic neuropathy type IIC. Identifiers: Orphanet 970, MedGen C3280168, MONDO:0013634, OMIM 614213.
Hereditary spastic paraplegia 30. Identifiers: Orphanet 101010, MedGen C5235139, MONDO:0012476.
Intellectual disability, autosomal dominant 9 (NESCAVS). Also called: NESCAV SYNDROME; KIF1A-Related Neurodevelopmental Disorder. Identifiers: Orphanet 662367, MedGen C5393830, MONDO:0013656, OMIM 614255.

gnomAD v4.1: 1 of 1,591,632 alleles (0.000063%); highest among the groups gnomAD compares: African/African-American, 0.0013%; no homozygotes.

Submission:

Labcorp Genetics (formerly Invitae), Labcorp
Classification: Uncertain significance for Hereditary spastic paraplegia 30; Neuropathy, hereditary sensory, type 2C; Intellectual disability, autosomal dominant 9. Last evaluated: 2024-04-02. Review status: criteria provided, single submitter. Criteria: Invitae Variant Classification Sherloc (09022015). Collection method: clinical testing. Allele origin: germline.
Comment: This sequence change replaces glycine, which is neutral and non-polar, with alanine, which is neutral and non-polar, at codon 950 of the KIF1A protein (p.Gly950Ala). This variant is not present in population databases (gnomAD no frequency). This variant has not been reported in the literature in individuals affected with KIF1A-related conditions. Advanced modeling of protein sequence and biophysical properties (such as structural, functional, and spatial information, amino acid conservation, physicochemical variation, residue mobility, and thermodynamic stability) performed at Invitae indicates that this missense variant is not expected to disrupt KIF1A protein function with a negative predictive value of 95%. In summary, the available evidence is currently insufficient to determine the role of this variant in disease. Therefore, it has been classified as a Variant of Uncertain Significance.